The following is an entry in ClinVar:

NM_006230.4(POLD2):c.493G>T (p.Val165Leu)

Gene: POLD2 (DNA polymerase delta 2, accessory subunit; minus strand). Cytogenetic location: 7p13.
Variant type: single nucleotide variant.
Coding change: c.493G>T on transcript NM_006230.4 (MANE Select); coding-DNA position 493, G replaced by T.
Protein change: p.Val165Leu; replaces valine 165 with leucine.
Molecular consequence: missense variant.
Genome position (GRCh38, 1-based): chr7:44,117,221, C>A on the plus strand (G>T on the coding strand, the complement: POLD2 is on the minus strand). VCF-style: chr7-44117221-C-A. GRCh37 (hg19) VCF-style: chr7-44156820-C-A.
Other names: c.493G>T (NM_001127218.1); c.493G>T, p.Val165Leu (NM_001127218.3, NM_001256879.2); short protein forms V165L.
Identifiers: ClinVar variation 2166559 (VCV002166559.5), dbSNP rs367702629, ClinGen allele CA4238830.

ClinVar aggregate classification (germline): Uncertain significance. Review status: criteria provided, multiple submitters, no conflicts (2 of 4 stars). 2 submissions from 2 submitters: Uncertain significance (2). Last evaluated 2025-12-31.

Allele frequency attached by ClinVar (database versions not stated): ESP Exome Variant Server 0.00008.
gnomAD v4.1: 129 of 1,613,776 alleles (0.008%); highest among the groups gnomAD compares: Non-Finnish European, 0.0081%; no homozygotes.

Submissions (2):

Labcorp Genetics (formerly Invitae), Labcorp
Classification: Uncertain significance. Last evaluated: 2025-12-31. Review status: criteria provided, single submitter. Criteria: Invitae Variant Classification Sherloc (09022015). Collection method: clinical testing. Allele origin: germline.
Comment: This sequence change replaces valine, which is neutral and non-polar, with leucine, which is neutral and non-polar, at codon 200 of the POLD2 protein (p.Val200Leu). This variant is present in population databases (rs367702629, gnomAD 0.1%), and has an allele count higher than expected for a pathogenic variant. This variant has not been reported in the literature in individuals affected with POLD2-related conditions. ClinVar contains an entry for this variant (Variation ID: 2166559). Experimental studies and prediction algorithms are not available or were not evaluated, and the functional significance of this variant is currently unknown. In summary, the available evidence is currently insufficient to determine the role of this variant in disease. Therefore, it has been classified as a Variant of Uncertain Significance.

Ambry Genetics
Classification: Uncertain significance. Last evaluated: 2021-09-28. Review status: criteria provided, single submitter. Criteria: Ambry Variant Classification Scheme 2023. Collection method: clinical testing. Allele origin: germline.